The following is an entry in ClinVar:

NM_004937.3(CTNS):c.*421T>C

Gene: CTNS (cystinosin, lysosomal cystine transporter; plus strand). Cytogenetic location: 17p13.2.
Variant type: single nucleotide variant.
Coding change: c.*421T>C on transcript NM_004937.3 (MANE Select); 421 bases downstream of the stop codon, T replaced by C.
Molecular consequence: 3 prime UTR variant.
Genome position (GRCh38, 1-based): chr17:3,660,790, T>C. VCF-style: chr17-3660790-T-C. GRCh37 (hg19) VCF-style: chr17-3564084-T-C.
Other names: c.*56T>C (NM_001031681.3, NM_001374492.1); c.*421T>C (NM_001374493.1, NM_001374494.1, NM_001374495.1 and 1 more transcripts).
Identifiers: ClinVar variation 322854 (VCV000322854.10), dbSNP rs760274, ClinGen allele CA10649950.

ClinVar aggregate classification (germline): Benign. Review status: criteria provided, multiple submitters, no conflicts (2 of 4 stars). 6 submissions from 4 submitters: Benign (6). Last evaluated 2021-07-10.

Conditions:
Ocular cystinosis. Also called: Non-Nephropathic (Ocular) Cystinosis; Non-Nephropathic Cystinosis. Identifiers: Orphanet 213, Orphanet 411641, MedGen C2931013, MONDO:0009064, OMIM 219750.
Nephropathic cystinosis (CTNS). Also called: CYSTINOSIN, DEFECT OF; LYSOSOMAL CYSTINE TRANSPORT PROTEIN, DEFECT OF; Abderhalden Lignac Kaufmann disease; Abderhalden-Kaufmann-Lignac syndrome. Identifiers: Orphanet 213, Orphanet 411629, MedGen C2931187, MONDO:0100151, OMIM 219800.

Allele frequency attached by ClinVar (database versions not stated): TOPMed 0.18948; gnomAD 0.19404 and 0.19684; 1000 Genomes Project 0.19728; 1000 Genomes Project 30x 0.19831; gnomAD exomes 0.21564.

Submissions (6):

Genome-Nilou Lab
Classification: Benign for Nephropathic cystinosis. Last evaluated: 2021-07-10. Review status: criteria provided, single submitter. Criteria: ACMG Guidelines, 2015. Collection method: clinical testing. Allele origin: germline. Affected: no.

Genome-Nilou Lab
Classification: Benign for Ocular cystinosis. Last evaluated: 2021-07-10. Review status: criteria provided, single submitter. Criteria: ACMG Guidelines, 2015. Collection method: clinical testing. Allele origin: germline. Affected: no.

GeneDx
Classification: Benign. Last evaluated: 2018-06-19. Review status: criteria provided, single submitter. Criteria: GeneDx Variant Classification Process June 2021. Collection method: clinical testing. Allele origin: germline. Affected: yes.

Illumina Laboratory Services, Illumina
Classification: Benign for Nephropathic cystinosis. Last evaluated: 2018-01-13. Review status: criteria provided, single submitter. Criteria: ICSL Variant Classification Criteria 13 December 2019. Collection method: clinical testing. Allele origin: germline.
Comment: This variant was observed in the ICSL laboratory as part of a predisposition screen in an ostensibly healthy population. It had not been previously curated by ICSL or reported in the Human Gene Mutation Database (HGMD: prior to June 1st, 2018), and was therefore a candidate for classification through an automated scoring system. Utilizing variant allele frequency, disease prevalence and penetrance estimates, and inheritance mode, an automated score was calculated to assess if this variant is too frequent to cause the disease. Based on the score and internal cut-off values, a variant classified as benign is not then subjected to further curation. The score for this variant resulted in a classification of benign for this disease.

Illumina Laboratory Services, Illumina
Classification: Benign for Ocular cystinosis. Last evaluated: 2018-01-13. Review status: criteria provided, single submitter. Criteria: ICSL Variant Classification Criteria 13 December 2019. Collection method: clinical testing. Allele origin: germline.
Comment: the same text as in the submission from Illumina Laboratory Services, Illumina above.

Breakthrough Genomics
Classification: Benign. Review status: criteria provided, single submitter. Criteria: ACMG Guidelines, 2015. Collection method: not provided. Allele origin: germline. Inheritance: Autosomal recessive inheritance. Affected: yes.